The following is an entry in ClinVar:

ClinVar aggregate classification (germline): Uncertain significance (1 of 4 stars; one submission).

Allele frequency attached by ClinVar (database versions not stated): ExAC 0.00002; TOPMed 0.00002; gnomAD exomes 0.00003.

Submission:

Labcorp Genetics (formerly Invitae), Labcorp
Classification: Uncertain significance. Last evaluated: 2023-08-28. Review status: criteria provided, single submitter. Criteria: Invitae Variant Classification Sherloc (09022015). Collection method: clinical testing. Allele origin: germline.
Comment: This variant has not been reported in the literature in individuals affected with INTU-related conditions. This variant is present in population databases (rs776806585, gnomAD 0.009%). This sequence change replaces arginine, which is basic and polar, with glutamine, which is neutral and polar, at codon 157 of the INTU protein (p.Arg157Gln). Advanced modeling of protein sequence and biophysical properties (such as structural, functional, and spatial information, amino acid conservation, physicochemical variation, residue mobility, and thermodynamic stability) performed at Invitae indicates that this missense variant is not expected to disrupt INTU protein function. In summary, the available evidence is currently insufficient to determine the role of this variant in disease. Therefore, it has been classified as a Variant of Uncertain Significance.

NM_015693.4(INTU):c.470G>A (p.Arg157Gln)

Gene: INTU (inturned planar cell polarity protein; plus strand). Cytogenetic location: 4q28.1.
Variant type: single nucleotide variant.
Coding change: c.470G>A on transcript NM_015693.4 (MANE Select); coding-DNA position 470, G replaced by A.
Protein change: p.Arg157Gln; replaces arginine 157 with glutamine.
Molecular consequence: missense variant.
Genome position (GRCh38, 1-based): chr4:127,643,844, G>A. VCF-style: chr4-127643844-G-A. GRCh37 (hg19) VCF-style: chr4-128564999-G-A.
Other names: short protein forms R157Q.
Identifiers: ClinVar variation 2790603 (VCV002790603.3), dbSNP rs776806585, ClinGen allele CA3074798.
Genomic context (GRCh38, chr4:127,643,844, plus strand): 5'-GACCAGTATCCATTCTAAAGCATCAGTCCAATCAGAAGACAGGAGTCATTGTCCAACAGC[G>A]ATACAAAGATGTGAATGTTTATGTAAACCCCAAAAAGCTAACTGTTATCAAAGCCAAAGA-3'
Protein context (NP_056508.2, residues 147-167): NQKTGVIVQQ[Arg157Gln]YKDVNVYVNP